The following is an entry in ClinVar:

ClinVar aggregate classification (germline): Benign. Review status: criteria provided, single submitter (1 of 4 stars). 2 submissions from 2 submitters: Benign (1). 1 of the submissions does not count toward it. Last evaluated 2022-02-28.

Conditions:
SPTB-related disorder. Also called: SPTB-related condition; SPTB-Related Disorders.

Allele frequency attached by ClinVar (database versions not stated): ExAC 0.00035; TOPMed 0.00003; gnomAD 0.00013; gnomAD exomes 0.00015; 1000 Genomes Project 30x 0.00016; 1000 Genomes Project 0.00020.
gnomAD v4.1: 245 of 1,613,530 alleles (0.015%); highest among the groups gnomAD compares: South Asian, 0.22%; 4 homozygotes.

Submissions (2):

Labcorp Genetics (formerly Invitae), Labcorp
Classification: Benign. Last evaluated: 2022-02-28. Review status: criteria provided, single submitter. Criteria: Invitae Variant Classification Sherloc (09022015). Collection method: clinical testing. Allele origin: germline.

PreventionGenetics, part of Exact Sciences
Classification: Likely benign for SPTB-related condition. Last evaluated: 2019-07-02. Review status: no assertion criteria provided. Collection method: clinical testing. Allele origin: germline. Not counted in ClinVar's aggregate classification.
Comment: This variant is classified as likely benign based on ACMG/AMP sequence variant interpretation guidelines (Richards et al. 2015 PMID: 25741868, with internal and published modifications).

NM_001355436.2(SPTB):c.2256G>A (p.Ala752=)

Gene: SPTB (spectrin beta, erythrocytic; minus strand). Cytogenetic location: 14q23.3.
Variant type: single nucleotide variant.
Coding change: c.2256G>A on transcript NM_001355436.2 (MANE Select); coding-DNA position 2256, G replaced by A.
Protein change: p.Ala752=; no amino-acid change (alanine 752 retained).
Molecular consequence: synonymous variant.
Genome position (GRCh38, 1-based): chr14:64,793,407, C>T on the plus strand (G>A on the coding strand, the complement: SPTB is on the minus strand). VCF-style: chr14-64793407-C-T. GRCh37 (hg19) VCF-style: chr14-65260125-C-T.
Other names: c.2256G>A, p.Ala752= (NM_001024858.4, NM_001355437.2); c.2256G>A (NM_001024858.2).
Identifiers: ClinVar variation 2085645 (VCV002085645.6), dbSNP rs547653626, ClinGen allele CA7230909.